The following is an entry in ClinVar:

NM_001567.4(INPPL1):c.1636G>A (p.Val546Ile)

Gene: INPPL1 (inositol polyphosphate phosphatase like 1; plus strand). Cytogenetic location: 11q13.4.
Variant type: single nucleotide variant.
Coding change: c.1636G>A on transcript NM_001567.4 (MANE Select); coding-DNA position 1636, G replaced by A.
Protein change: p.Val546Ile; replaces valine 546 with isoleucine.
Molecular consequence: missense variant.
Genome position (GRCh38, 1-based): chr11:72,232,260, G>A. VCF-style: chr11-72232260-G-A. GRCh37 (hg19) VCF-style: chr11-71943304-G-A.
Other names: short protein forms V546I.
Identifiers: ClinVar variation 488146 (VCV000488146.7), dbSNP rs376117918, ClinGen allele CA6170101.

ClinVar aggregate classification (germline): Uncertain significance. Review status: criteria provided, single submitter (1 of 4 stars). 2 submissions from 2 submitters: Uncertain significance (1). 1 of the submissions does not count toward it. Last evaluated 2021-08-28.

Conditions:
Opsismodysplasia (OPSMD). Also called: INPPL1-Related Opsismodysplasia. Identifiers: Orphanet 2746, MedGen C0432219, MONDO:0009785, OMIM 258480.

Allele frequency attached by ClinVar (database versions not stated): ExAC below 0.00001; gnomAD 0.00004 and 0.00005; TOPMed 0.00004; gnomAD exomes 0.00007; ESP Exome Variant Server 0.00008.
gnomAD v4.1: 71 of 1,556,870 alleles (0.0046%); highest among the groups gnomAD compares: Admixed American, 0.012%; no homozygotes.

Submissions (2):

Labcorp Genetics (formerly Invitae), Labcorp
Classification: Uncertain significance. Last evaluated: 2021-08-28. Review status: criteria provided, single submitter. Criteria: Invitae Variant Classification Sherloc (09022015). Collection method: clinical testing. Allele origin: germline.
Comment: This sequence change replaces valine with isoleucine at codon 546 of the INPPL1 protein (p.Val546Ile). The valine residue is highly conserved and there is a small physicochemical difference between valine and isoleucine. The frequency data for this variant in the population databases is considered unreliable, as metrics indicate poor data quality at this position in the ExAC database. This missense change has been observed in individual(s) with clinical features of opsismodysplasia (PMID: 29276006). ClinVar contains an entry for this variant (Variation ID: 488146). Algorithms developed to predict the effect of missense changes on protein structure and function (SIFT, PolyPhen-2, Align-GVGD) all suggest that this variant is likely to be tolerated. In summary, the available evidence is currently insufficient to determine the role of this variant in disease. Therefore, it has been classified as a Variant of Uncertain Significance.

Lupski Lab, Baylor-Hopkins CMG, Baylor College of Medicine
Classification: Uncertain significance for Opsismodysplasia. Last evaluated: 2017-06-01. Review status: no assertion criteria provided. Collection method: research. Allele origin: unknown. Affected: yes. Not counted in ClinVar's aggregate classification.

Literature cited by the submitters: PubMed 29276006 (cited by Labcorp Genetics (formerly Invitae), Labcorp and Lupski Lab, Baylor-Hopkins CMG, Baylor College of Medicine).